The following is an entry in ClinVar:

NM_006361.6(HOXB13):c.365G>C (p.Ser122Thr)

Gene: HOXB13 (homeobox B13; minus strand). Cytogenetic location: 17q21.32.
Variant type: single nucleotide variant.
Coding change: c.365G>C on transcript NM_006361.6 (MANE Select); coding-DNA position 365, G replaced by C.
Protein change: p.Ser122Thr; replaces serine 122 with threonine.
Molecular consequence: missense variant.
Genome position (GRCh38, 1-based): chr17:48,728,229, C>G on the plus strand (G>C on the coding strand, the complement: HOXB13 is on the minus strand). VCF-style: chr17-48728229-C-G. GRCh37 (hg19) VCF-style: chr17-46805591-C-G.
Other names: short protein forms S122T.
Identifiers: ClinVar variation 1733669 (VCV001733669.3), dbSNP rs1010890339, ClinGen allele CA291350444.

ClinVar aggregate classification (germline): Uncertain significance (1 of 4 stars; one submission).

Conditions:
Hereditary cancer-predisposing syndrome. Also called: Neoplastic Syndromes, Hereditary; Tumor predisposition; Hereditary Cancer Syndrome; Hereditary neoplastic syndrome. Identifiers: Orphanet 140162, MedGen C0027672, MeSH D009386, MONDO:0015356.

Allele frequency attached by ClinVar (database versions not stated): gnomAD 0.00001.
gnomAD v4.1: 1 of 1,614,118 alleles (0.000062%); highest among the groups gnomAD compares: Non-Finnish European, 0.000085%; no homozygotes.

Submission:

Ambry Genetics
Classification: Uncertain significance for Hereditary cancer-predisposing syndrome. Last evaluated: 2025-02-07. Review status: criteria provided, single submitter. Criteria: Ambry Variant Classification Scheme 2023. Collection method: clinical testing. Allele origin: germline.
Comment: The p.S122T variant (also known as c.365G>C), located in coding exon 1 of the HOXB13 gene, results from a G to C substitution at nucleotide position 365. The serine at codon 122 is replaced by threonine, an amino acid with similar properties. This amino acid position is well conserved in available vertebrate species. In addition, this alteration is predicted to be tolerated by in silico analysis. Since supporting evidence is limited at this time, the clinical significance of this alteration remains unclear.